The following is an entry in ClinVar:

NM_032380.5(GFM2):c.1456C>T (p.Pro486Ser)

Gene: GFM2 (GTP dependent ribosome recycling factor mitochondrial 2; minus strand). Cytogenetic location: 5q13.3.
Variant type: single nucleotide variant.
Coding change: c.1456C>T on transcript NM_032380.5 (MANE Select); coding-DNA position 1456, C replaced by T.
Protein change: p.Pro486Ser; replaces proline 486 with serine.
Molecular consequence: missense variant. On other transcripts: non-coding transcript variant (1).
Genome position (GRCh38, 1-based): chr5:74,736,850, G>A on the plus strand (C>T on the coding strand, the complement: GFM2 is on the minus strand). VCF-style: chr5-74736850-G-A. GRCh37 (hg19) VCF-style: chr5-74032675-G-A.
Other names: c.1552C>T, p.Pro518Ser (NM_001281302.2); c.1456C>T, p.Pro486Ser (NM_170681.3); c.1315C>T, p.Pro439Ser (NM_170691.3); short protein forms P518S, P439S, P486S.
Identifiers: ClinVar variation 3654960 (VCV003654960.2).
Genomic context (GRCh38, chr5:74,736,850, plus strand): 5'-TTATACCTGGCTGCTTAGACAGTGATGGGGGTTCTATGGTACAGAAGAAAACAGGTTCTG[G>A]AATCTCCACTCCAGCCAATAAAAGTCTCTCTGCTTCATTGTTTTGTCTGTGCTTCTTTTC-3'
Protein context (NP_115756.2, residues 476-496): ERLLLAGVEI[Pro486Ser]EPVFFCTIEP

ClinVar aggregate classification (germline): Uncertain significance (1 of 4 stars; one submission).

gnomAD v4.1: 1 of 1,613,880 alleles (0.000062%); highest among the groups gnomAD compares: African/African-American, 0.0013%; no homozygotes.

Submission:

Labcorp Genetics (formerly Invitae), Labcorp
Classification: Uncertain significance. Last evaluated: 2024-05-28. Review status: criteria provided, single submitter. Criteria: Invitae Variant Classification Sherloc (09022015). Collection method: clinical testing. Allele origin: germline.
Comment: This sequence change replaces proline, which is neutral and non-polar, with serine, which is neutral and polar, at codon 486 of the GFM2 protein (p.Pro486Ser). This variant is not present in population databases (gnomAD no frequency). This variant has not been reported in the literature in individuals affected with GFM2-related conditions. Advanced modeling of protein sequence and biophysical properties (such as structural, functional, and spatial information, amino acid conservation, physicochemical variation, residue mobility, and thermodynamic stability) has been performed at Invitae for this missense variant, however the output from this modeling did not meet the statistical confidence thresholds required to predict the impact of this variant on GFM2 protein function. In summary, the available evidence is currently insufficient to determine the role of this variant in disease. Therefore, it has been classified as a Variant of Uncertain Significance.